The following is an entry in ClinVar:

NM_001142633.3(PIK3R5):c.963A>T (p.Glu321Asp)

Gene: PIK3R5 (phosphoinositide-3-kinase regulatory subunit 5; minus strand). Cytogenetic location: 17p13.1.
Variant type: single nucleotide variant.
Coding change: c.963A>T on transcript NM_001142633.3 (MANE Select); coding-DNA position 963, A replaced by T.
Protein change: p.Glu321Asp; replaces glutamic acid 321 with aspartic acid.
Molecular consequence: missense variant. On other transcripts: 5 prime UTR variant (8).
Genome position (GRCh38, 1-based): chr17:8,888,824, T>A on the plus strand (A>T on the coding strand, the complement: PIK3R5 is on the minus strand). VCF-style: chr17-8888824-T-A. GRCh37 (hg19) VCF-style: chr17-8792141-T-A.
Other names: c.-196A>T (NM_001251851.2, NM_001251852.2, NM_001251853.2 and 5 more transcripts); c.963A>T, p.Glu321Asp (NM_001388396.1, NM_014308.4); short protein forms E321D.
Identifiers: ClinVar variation 2647462 (VCV002647462.24), dbSNP rs551094338, ClinGen allele CA287605297.
Genomic context (GRCh38, chr17:8,888,824, plus strand): 5'-GGCACAGTGCCCGTCAGTTTCCAAGTCCTCCTCCACCTCCTCCTCCTCCTCTTCCTCCTC[T>A]TCATCATCTCCCAGGATCCCTGGCTGGAGTAGCTCCTGTTCCTTGAGCAGGATTTCCTGC-3'
Protein context (NP_001136105.1, residues 311-331): LLQPGILGDD[Glu321Asp]EEEEEEEEVE

ClinVar aggregate classification (germline): Uncertain significance (1 of 4 stars; one submission).

Allele frequency attached by ClinVar (database versions not stated): TOPMed 0.00001.
gnomAD v4.1: 3 of 1,609,832 alleles (0.00019%); highest among the groups gnomAD compares: Non-Finnish European, 0.00025%; no homozygotes.

Submission:

CeGaT Center for Human Genetics Tuebingen
Classification: Uncertain significance. Last evaluated: 2023-02-01. Review status: criteria provided, single submitter. Criteria: CeGaT Center For Human Genetics Tuebingen Variant Classification Criteria Version 2. Collection method: clinical testing. Allele origin: germline. Affected: yes. Observed: 1 variant allele.
Comment: PIK3R5: PM2, BP4